The following is an entry in ClinVar:

NM_001005361.3(DNM2):c.162G>C (p.Arg54=)

Gene: DNM2 (dynamin 2; plus strand). Cytogenetic location: 19p13.2.
Variant type: single nucleotide variant.
Coding change: c.162G>C on transcript NM_001005361.3 (MANE Select); coding-DNA position 162, G replaced by C.
Protein change: p.Arg54=; no amino-acid change (arginine 54 retained).
Molecular consequence: synonymous variant.
Genome position (GRCh38, 1-based): chr19:10,759,738, G>C. VCF-style: chr19-10759738-G-C. GRCh37 (hg19) VCF-style: chr19-10870414-G-C.
Other names: c.162G>C, p.Arg54= (NM_001005360.3, NM_001005362.3, NM_001190716.2 and 1 more transcripts).
Identifiers: ClinVar variation 1002867 (VCV001002867.8), dbSNP rs762111033, ClinGen allele CA9200720.
Genomic context (GRCh38, chr19:10,759,738, plus strand): 5'-CACTTCCTGCCCCTCGATCCGGACGCAAGAGTAATTTCTGTCCCTCTCCCCCCCTCACAG[G>C]GACTTCCTTCCCCGCGGTTCAGGAATCGTCACCCGGCGGCCTCTCATTCTGCAGCTCATC-3'
Protein context (NP_001005361.1, residues 44-64): KSSVLENFVG[Arg54=]DFLPRGSGIV

ClinVar aggregate classification (germline): Uncertain significance (1 of 4 stars; one submission).

Conditions:
Charcot-Marie-Tooth disease dominant intermediate B (CMTDIB). Also called: Charcot-Marie-Tooth disease dominant intermediate 1; CMT DI1; Charcot-Marie-Tooth disease dominant intermediate I; CHARCOT-MARIE-TOOTH NEUROPATHY, DOMINANT INTERMEDIATE B. Identifiers: Orphanet 100044, Orphanet 228179, MedGen C1847902, MONDO:0011674, OMIM 606482.

Allele frequency attached by ClinVar (database versions not stated): gnomAD exomes below 0.00001; ExAC 0.00001.
gnomAD v4.1: 3 of 1,614,072 alleles (0.00019%); highest among the groups gnomAD compares: Middle Eastern, 0.016%; no homozygotes.

Submission:

Labcorp Genetics (formerly Invitae), Labcorp
Classification: Uncertain significance for Charcot-Marie-Tooth disease dominant intermediate B. Last evaluated: 2023-09-18. Review status: criteria provided, single submitter. Criteria: Invitae Variant Classification Sherloc (09022015). Collection method: clinical testing. Allele origin: germline.
Comment: This variant has been observed in individual(s) with clinical features of DNM2-related conditions (Invitae). In summary, the available evidence is currently insufficient to determine the role of this variant in disease. Therefore, it has been classified as a Variant of Uncertain Significance. Algorithms developed to predict the effect of sequence changes on RNA splicing suggest that this variant is not likely to affect RNA splicing. ClinVar contains an entry for this variant (Variation ID: 1002867). This variant is present in population databases (rs762111033, gnomAD 0.0009%). This sequence change affects codon 54 of the DNM2 mRNA. It is a 'silent' change, meaning that it does not change the encoded amino acid sequence of the DNM2 protein. It affects a nucleotide within the consensus splice site.